The following is an entry in ClinVar:

ClinVar aggregate classification (germline): Uncertain significance (3 of 4 stars; one submission).

Conditions:
Galactosemia. Also called: Galactose intolerance. Identifiers: Orphanet 352, MedGen C0016952, MONDO:0018116, HP:0004919. Disease mechanism: loss of function.

Submission:

Clingen Galactosemia Variant Curation Expert Panel, ClinGen
Classification: Uncertain significance for Galactosemia. Last evaluated: 2026-06-23. Review status: reviewed by expert panel. Criteria: ClinGen Galactosemia ACMG Specifications GALT V1.1. Collection method: curation. Allele origin: germline. Inheritance: Autosomal recessive inheritance.
Comment: The c.259C>A variant in GALT is a missense variant predicted to cause substitution of proline by threonine at amino acid 87 (p.Pro87Thr). This variant, to our knowledge, has not been reported in the medical literature and is absent from gnomAD v4.1.0 (PM2_Supporting). The computational predictor REVEL gives a score of 0.84, which is equal to or above the threshold of 0.7, evidence that correlates with impact to GALT function (PP3). Another missense variant in the same codon, c.260C>T (p.Pro87Leu), has been described occurring in trans to p.Tyr209Ser in two siblings with GALT activity of 5% or less; however, this information is insufficient to use toward classification (PMID: 34030713). In summary, this variant meets the criteria to be classified as a variant of uncertain significance for galactosemia based on the ACMG/AMP criteria applied, as specified by the ClinGen Galactosemia VCEP: PM2_Supporting, PP3 (GALT specifications v1.0.0).

NM_000155.4(GALT):c.259C>A (p.Pro87Thr)

Gene: GALT (galactose-1-phosphate uridylyltransferase; plus strand). Cytogenetic location: 9p13.3.
Variant type: single nucleotide variant.
Coding change: c.259C>A on transcript NM_000155.4 (MANE Select); coding-DNA position 259, C replaced by A.
Protein change: p.Pro87Thr; replaces proline 87 with threonine.
Molecular consequence: missense variant. On other transcripts: intron variant (1).
Genome position (GRCh38, 1-based): chr9:34,647,498, C>A. VCF-style: chr9-34647498-C-A. GRCh37 (hg19) VCF-style: chr9-34647495-C-A.
Other names: NM_001258332.2:c.50+240C>A; c.50+240C>A (NM_001258332.2); short protein forms P87T.
Identifiers: ClinVar variation 5021472 (VCV005021472.1).
Genomic context (GRCh38, chr9:34,647,498, plus strand): 5'-CAGGTAACTGGTGGTATGGGGCAGTGAGTGCTTCTAGCCTATCCTTGTCGGTAGGTGAAT[C>A]CCCAGTACGATAGCACCTTCCTGTTTGACAACGACTTCCCAGCTCTGCAGCCTGATGCCC-3'
Protein context (NP_000146.2, residues 77-97): GAIRANGEVN[Pro87Thr]QYDSTFLFDN